The following is an entry in ClinVar:

ClinVar aggregate classification (germline): Uncertain significance (1 of 4 stars; one submission).

Submission:

Women's Health and Genetics/Laboratory Corporation of America, LabCorp
Classification: Uncertain significance. Last evaluated: 2025-06-03. Review status: criteria provided, single submitter. Criteria: LabCorp Variant Classification Summary - May 2015. Collection method: clinical testing. Allele origin: germline.
Comment: Variant summary: ZNF469 c.2698C>G (p.Pro900Ala) results in a non-conservative amino acid change in the encoded protein sequence. Algorithms developed to predict the effect of missense changes on protein structure and function are either unavailable or do not agree on the potential impact of this missense change. The variant was absent in 146020 control chromosomes. The available data on variant occurrences in the general population are insufficient to allow any conclusion about variant significance. To our knowledge, no occurrence of c.2698C>G in individuals affected with Brittle cornea syndrome 1 and no experimental evidence demonstrating its impact on protein function have been reported. No submitters have cited clinical-significance assessments for this variant to ClinVar. Based on the evidence outlined above, the variant was classified as uncertain significance.

NM_001367624.2(ZNF469):c.2698C>G (p.Pro900Ala)

Gene: ZNF469 (zinc finger protein 469; plus strand). Cytogenetic location: 16q24.2.
Variant type: single nucleotide variant.
Coding change: c.2698C>G on transcript NM_001367624.2 (MANE Select); coding-DNA position 2698, C replaced by G.
Protein change: p.Pro900Ala; replaces proline 900 with alanine.
Molecular consequence: missense variant.
Genome position (GRCh38, 1-based): chr16:88,430,168, C>G. VCF-style: chr16-88430168-C-G. GRCh37 (hg19) VCF-style: chr16-88496576-C-G.
Other names: short protein forms P900A.
Identifiers: ClinVar variation 3907424 (VCV003907424.1).